The following is an entry in ClinVar:

ClinVar aggregate classification (germline): Pathogenic/Likely pathogenic. Review status: criteria provided, multiple submitters, no conflicts (2 of 4 stars). 2 submissions from 2 submitters: Pathogenic (1); Likely pathogenic (1). Last evaluated 2023-10-17.

Conditions:
Primary ciliary dyskinesia. Also called: Ciliary dyskinesia. Identifiers: Orphanet 244, MedGen C0008780, MONDO:0016575, HP:0012265.
RPGR-related disorder. Also called: RPGR-related condition.

Submissions (2):

Labcorp Genetics (formerly Invitae), Labcorp
Classification: Pathogenic for Primary ciliary dyskinesia. Last evaluated: 2023-10-17. Review status: criteria provided, single submitter. Criteria: Invitae Variant Classification Sherloc (09022015). Collection method: clinical testing. Allele origin: germline.
Comment: This sequence change creates a premature translational stop signal (p.Glu898*) in the RPGR (ORF15) gene. While this is not anticipated to result in nonsense mediated decay, it is expected to disrupt the last 255 amino acid(s) of the RPGR (ORF15) protein. This variant is not present in population databases (gnomAD no frequency). This variant has not been reported in the literature in individuals affected with RPGR (ORF15)-related conditions. This variant disrupts a region of the RPGR (ORF15) protein in which other variant(s) (p.Leu1130Lysfs*13) have been determined to be pathogenic (PMID: 22264887; Invitae). This suggests that this is a clinically significant region of the protein, and that variants that disrupt it are likely to be disease-causing. For these reasons, this variant has been classified as Pathogenic.

Blueprint Genetics
Classification: Likely pathogenic for RPGR-related disorders. Last evaluated: 2021-09-10. Review status: criteria provided, single submitter. Criteria: ACMG Guidelines, 2015. Collection method: clinical testing. Allele origin: germline. Affected: yes. Observed: 2 variant alleles.

Literature cited by the submitters: PubMed 22264887 (cited by Labcorp Genetics (formerly Invitae), Labcorp).

NM_001034853.2(RPGR):c.2692G>T (p.Glu898Ter)

Gene: RPGR (retinitis pigmentosa GTPase regulator; minus strand). Cytogenetic location: Xp11.4.
Variant type: single nucleotide variant.
Coding change: c.2692G>T on transcript NM_001034853.2 (MANE Select); coding-DNA position 2692, G replaced by T.
Protein change: p.Glu898Ter; replaces glutamic acid 898 with a stop codon.
Molecular consequence: nonsense. On other transcripts: intron variant (8).
Genome position (GRCh38, 1-based): chrX:38,286,307, C>A on the plus strand (G>T on the coding strand, the complement: RPGR is on the minus strand). VCF-style: chrX-38286307-C-A. GRCh37 (hg19) VCF-style: chrX-38145560-C-A.
Other names: c.1569+4652G>T (NM_001367249.1, NM_001367250.1); c.1902+787G>T (NM_001367245.1); c.1386+4652G>T (NM_001367251.1); c.1719+787G>T (NM_001367246.1); c.1572+4652G>T (NM_001367247.1); c.1905+787G>T (NM_000328.3); c.1602+4652G>T (NM_001367248.1); short protein forms E898*.
Identifiers: ClinVar variation 2892575 (VCV002892575.4), dbSNP rs1469760018, ClinGen allele CA412730015.